The following is an entry in ClinVar:

NC_000012.12:g.121641114G>A

Gene: ORAI1 (ORAI calcium release-activated calcium modulator 1; plus strand). Cytogenetic location: 12q24.31.
Variant type: single nucleotide variant.
Genome position: GRCh38 VCF-style: chr12-121641114-G-A. GRCh37 (hg19) VCF-style: chr12-122079020-G-A.
Other names: c.377G>A, p.Cys126Tyr (NM_032790.4); short protein forms C126Y.
Identifiers: ClinVar variation 1474442 (VCV001474442.6), dbSNP rs2136852559, ClinGen allele CA386983002.

ClinVar aggregate classification (germline): Uncertain significance (1 of 4 stars; one submission).

Conditions:
Combined immunodeficiency due to ORAI1 deficiency. Also called: IMMUNODEFICIENCY 9. Identifiers: Orphanet 169090, Orphanet 317428, MedGen C2748568, MONDO:0013007, OMIM 612782.
Myopathy, tubular aggregate, 2 (TAM2). Identifiers: MedGen C4014557, MONDO:0014383, OMIM 615883.

Allele frequency attached by ClinVar (database versions not stated): gnomAD exomes below 0.00001.

Submission:

Labcorp Genetics (formerly Invitae), Labcorp
Classification: Uncertain significance for Myopathy, tubular aggregate, 2; Combined immunodeficiency due to ORAI1 deficiency. Last evaluated: 2022-03-08. Review status: criteria provided, single submitter. Criteria: Invitae Variant Classification Sherloc (09022015). Collection method: clinical testing. Allele origin: germline.
Comment: This sequence change replaces cysteine, which is neutral and slightly polar, with tyrosine, which is neutral and polar, at codon 126 of the ORAI1 protein (p.Cys126Tyr). This variant is not present in population databases (gnomAD no frequency). This variant has not been reported in the literature in individuals affected with ORAI1-related conditions. Experimental studies and prediction algorithms are not available or were not evaluated, and the functional significance of this variant is currently unknown. In summary, the available evidence is currently insufficient to determine the role of this variant in disease. Therefore, it has been classified as a Variant of Uncertain Significance.